The following is an entry in ClinVar:

ClinVar aggregate classification (germline): Uncertain significance. Review status: criteria provided, multiple submitters, no conflicts (2 of 4 stars). 3 submissions from 3 submitters: Uncertain significance (3). Last evaluated 2023-12-19.

Conditions:
Inborn genetic diseases. Identifiers: MedGen C0950123, MeSH D030342.

Allele frequency attached by ClinVar (database versions not stated): gnomAD exomes below 0.00001 and 0.00001; gnomAD 0.00001.
gnomAD v4.1: 8 of 1,613,888 alleles (0.0005%); highest among the groups gnomAD compares: Non-Finnish European, 0.00068%; no homozygotes.

Submissions (3):

Blueprint Genetics
Classification: Uncertain significance. Last evaluated: 2023-12-19. Review status: criteria provided, single submitter. Criteria: ACMG Guidelines, 2015. Collection method: clinical testing. Allele origin: germline.

Ambry Genetics
Classification: Uncertain significance for Inborn genetic diseases. Last evaluated: 2023-06-22. Review status: criteria provided, single submitter. Criteria: Ambry Variant Classification Scheme 2023. Collection method: clinical testing. Allele origin: germline.

Labcorp Genetics (formerly Invitae), Labcorp
Classification: Uncertain significance. Last evaluated: 2022-09-01. Review status: criteria provided, single submitter. Criteria: Invitae Variant Classification Sherloc (09022015). Collection method: clinical testing. Allele origin: germline.
Comment: In summary, the available evidence is currently insufficient to determine the role of this variant in disease. Therefore, it has been classified as a Variant of Uncertain Significance. Algorithms developed to predict the effect of missense changes on protein structure and function (SIFT, PolyPhen-2, Align-GVGD) all suggest that this variant is likely to be disruptive. ClinVar contains an entry for this variant (Variation ID: 1443001). This variant has not been reported in the literature in individuals affected with RP1-related conditions. This variant is present in population databases (no rsID available, gnomAD 0.002%). This sequence change replaces threonine, which is neutral and polar, with asparagine, which is neutral and polar, at codon 346 of the RP1 protein (p.Thr346Asn).

NM_006269.2(RP1):c.1037C>A (p.Thr346Asn)

Gene: RP1 (RP1 axonemal microtubule associated; plus strand). Cytogenetic location: 8q12.1.
Variant type: single nucleotide variant.
Coding change: c.1037C>A on transcript NM_006269.2 (MANE Select); coding-DNA position 1037, C replaced by A.
Protein change: p.Thr346Asn; replaces threonine 346 with asparagine.
Molecular consequence: missense variant. On other transcripts: intron variant (1).
Genome position (GRCh38, 1-based): chr8:54,624,919, C>A. VCF-style: chr8-54624919-C-A. GRCh37 (hg19) VCF-style: chr8-55537479-C-A.
Other names: c.787+2631C>A (NM_001375654.1); c.1037C>A (NM_006269.1); short protein forms T346N.
Identifiers: ClinVar variation 1443001 (VCV001443001.8), dbSNP rs1167725394, ClinGen allele CA370989150.